The following is an entry in ClinVar:

ClinVar aggregate classification (germline): Benign/Likely benign. Review status: criteria provided, multiple submitters, no conflicts (2 of 4 stars). 3 submissions from 3 submitters: Benign (1); Likely benign (2). Last evaluated 2026-07-01.

Conditions:
Sessile serrated polyposis cancer syndrome (SSPCS). Identifiers: Orphanet 157798, MedGen C4310714, MONDO:0014919, OMIM 617108.

Allele frequency attached by ClinVar (database versions not stated): gnomAD 0.00002 and 0.00003; gnomAD exomes below 0.00001; TOPMed 0.00002.
gnomAD v4.1: 6 of 1,570,238 alleles (0.00038%); highest among the groups gnomAD compares: African/African-American, 0.0081%; no homozygotes.

Submissions (3):

Myriad Genetics, Inc.
Classification: Benign for Sessile serrated polyposis cancer syndrome. Last evaluated: 2026-07-01. Review status: criteria provided, single submitter. Criteria: Myriad Autosomal Dominant, Autosomal Recessive and X-Linked Classification Criteria (2023). Collection method: clinical testing. Allele origin: unknown.
Comment: This variant is considered benign. This variant is a silent/synonymous amino acid change and it is not expected to impact splicing.

Labcorp Genetics (formerly Invitae), Labcorp
Classification: Likely benign. Last evaluated: 2025-08-21. Review status: criteria provided, single submitter. Criteria: Invitae Variant Classification Sherloc (09022015). Collection method: clinical testing. Allele origin: germline.

Ambry Genetics
Classification: Likely benign. Last evaluated: 2025-01-05. Review status: criteria provided, single submitter. Criteria: Ambry Variant Classification Scheme 2023. Collection method: clinical testing. Allele origin: germline.

NM_017763.6(RNF43):c.1167C>A (p.Arg389=)

Gene: RNF43 (ring finger protein 43; minus strand). Cytogenetic location: 17q22.
Variant type: single nucleotide variant.
Coding change: c.1167C>A on transcript NM_017763.6 (MANE Select); coding-DNA position 1167, C replaced by A.
Protein change: p.Arg389=; no amino-acid change (arginine 389 retained).
Molecular consequence: synonymous variant.
Genome position (GRCh38, 1-based): chr17:58,358,609, G>T on the plus strand (C>A on the coding strand, the complement: RNF43 is on the minus strand). VCF-style: chr17-58358609-G-T. GRCh37 (hg19) VCF-style: chr17-56435970-G-T.
Other names: c.1167C>A, p.Arg389= (NM_001305544.3); c.786C>A, p.Arg262= (NM_001305545.2).
Identifiers: ClinVar variation 1107715 (VCV001107715.11), dbSNP rs978656819, ClinGen allele CA292012864.
Genomic context (GRCh38, chr17:58,358,609, plus strand): 5'-CTGGGCTCCTGCCAGGCGCTGCTGCTCTCCTGGAGCCCGGGGATGTGCAGCTCTGGGGAA[G>T]CGGTGATGCCGAGGGCCCATGCCTGGCTCCTGGGATGGCAGGAAGGGACCAGGTCGTGGG-3'
Protein context (NP_060233.3, residues 379-399): QEPGMGPRHH[Arg389=]FPRAAHPRAP